The following is an entry in ClinVar:

NM_001351132.2(PEX5):c.391G>T (p.Val131Leu)

Gene: PEX5 (peroxisomal biogenesis factor 5; plus strand). Cytogenetic location: 12p13.31.
Variant type: single nucleotide variant.
Coding change: c.391G>T on transcript NM_001351132.2 (MANE Select); coding-DNA position 391, G replaced by T.
Protein change: p.Val131Leu; replaces valine 131 with leucine.
Molecular consequence: missense variant.
Genome position (GRCh38, 1-based): chr12:7,191,643, G>T. VCF-style: chr12-7191643-G-T. GRCh37 (hg19) VCF-style: chr12-7344239-G-T.
Other names: c.391G>T, p.Val131Leu (NM_001131024.2, NM_001131025.2, NM_001131026.2 and 19 more transcripts); c.436G>T, p.Val146Leu (NM_001351135.3, NM_001351138.2, NM_001131023.2); short protein forms V146L, V131L.
Identifiers: ClinVar variation 1983181 (VCV001983181.1), dbSNP rs1188911054, ClinGen allele CA383712485.

ClinVar aggregate classification (germline): Uncertain significance (1 of 4 stars; one submission).

Conditions:
Peroxisome biogenesis disorder 2B (PBD2B). Identifiers: Orphanet 44, MedGen C3550234, MONDO:0008736, OMIM 202370.

Submission:

Labcorp Genetics (formerly Invitae), Labcorp
Classification: Uncertain significance for Peroxisome biogenesis disorder 2B. Last evaluated: 2022-08-22. Review status: criteria provided, single submitter. Criteria: Invitae Variant Classification Sherloc (09022015). Collection method: clinical testing. Allele origin: germline.
Comment: This sequence change replaces valine, which is neutral and non-polar, with leucine, which is neutral and non-polar, at codon 131 of the PEX5 protein (p.Val131Leu). This variant is present in population databases (no rsID available, gnomAD 0.003%). This variant has not been reported in the literature in individuals affected with PEX5-related conditions. Algorithms developed to predict the effect of missense changes on protein structure and function (SIFT, PolyPhen-2, Align-GVGD) all suggest that this variant is likely to be tolerated. In summary, the available evidence is currently insufficient to determine the role of this variant in disease. Therefore, it has been classified as a Variant of Uncertain Significance.